The following is an entry in ClinVar:

ClinVar aggregate classification (germline): Uncertain significance. Review status: criteria provided, multiple submitters, no conflicts (2 of 4 stars). 2 submissions from 2 submitters: Uncertain significance (2). Last evaluated 2024-05-23.

Allele frequency attached by ClinVar (database versions not stated): ExAC 0.00005; gnomAD 0.00005; TOPMed 0.00005; ESP Exome Variant Server 0.00008; 1000 Genomes Project 30x 0.00016; 1000 Genomes Project 0.00020.
gnomAD v4.1: 52 of 1,613,758 alleles (0.0032%); highest among the groups gnomAD compares: African/African-American, 0.024%; 1 homozygote.

Submissions (2):

Women's Health and Genetics/Laboratory Corporation of America, LabCorp
Classification: Uncertain significance. Last evaluated: 2024-05-23. Review status: criteria provided, single submitter. Criteria: LabCorp Variant Classification Summary - May 2015. Collection method: clinical testing. Allele origin: germline.
Comment: Variant summary: LAMC3 c.3949G>A (p.Ala1317Thr) results in a non-conservative amino acid change in the encoded protein sequence. Four of five in-silico tools predict a damaging effect of the variant on protein function. The variant allele was found at a frequency of 3.2e-05 in 1606788 control chromosomes in the gnomAD database (v4.1 dataset), including 1 homozygote. This frequency is not significantly higher than estimated for a pathogenic variant in LAMC3 causing Occipital Pachygyria And Polymicrogyria, allowing no conclusion about variant significance. To our knowledge, no occurrence of c.3949G>A in individuals affected with Occipital Pachygyria And Polymicrogyria and no experimental evidence demonstrating its impact on protein function have been reported. ClinVar contains an entry for this variant (Variation ID: 1497169). Based on the evidence outlined above, the variant was classified as uncertain significance.

Labcorp Genetics (formerly Invitae), Labcorp
Classification: Uncertain significance. Last evaluated: 2022-08-19. Review status: criteria provided, single submitter. Criteria: Invitae Variant Classification Sherloc (09022015). Collection method: clinical testing. Allele origin: germline.
Comment: This sequence change replaces alanine, which is neutral and non-polar, with threonine, which is neutral and polar, at codon 1317 of the LAMC3 protein (p.Ala1317Thr). This variant is present in population databases (rs139578296, gnomAD 0.01%). This variant has not been reported in the literature in individuals affected with LAMC3-related conditions. ClinVar contains an entry for this variant (Variation ID: 1497169). Algorithms developed to predict the effect of missense changes on protein structure and function output the following: SIFT: "Deleterious"; PolyPhen-2: "Benign"; Align-GVGD: "Class C0". The threonine amino acid residue is found in multiple mammalian species, which suggests that this missense change does not adversely affect protein function. In summary, the available evidence is currently insufficient to determine the role of this variant in disease. Therefore, it has been classified as a Variant of Uncertain Significance.

NM_006059.4(LAMC3):c.3949G>A (p.Ala1317Thr)

Gene: LAMC3 (laminin subunit gamma 3; plus strand). Cytogenetic location: 9q34.12.
Variant type: single nucleotide variant.
Coding change: c.3949G>A on transcript NM_006059.4 (MANE Select); coding-DNA position 3949, G replaced by A.
Protein change: p.Ala1317Thr; replaces alanine 1317 with threonine.
Molecular consequence: missense variant.
Genome position (GRCh38, 1-based): chr9:131,082,080, G>A. VCF-style: chr9-131082080-G-A. GRCh37 (hg19) VCF-style: chr9-133957467-G-A.
Other names: short protein forms A1317T.
Identifiers: ClinVar variation 1497169 (VCV001497169.4), dbSNP rs139578296, ClinGen allele CA5287999.